The following is an entry in ClinVar:

NM_000372.5(TYR):c.1114G>T (p.Gly372Ter)

Gene: TYR (tyrosinase; plus strand). Cytogenetic location: 11q14.3.
Variant type: single nucleotide variant.
Coding change: c.1114G>T on transcript NM_000372.5 (MANE Select); coding-DNA position 1114, G replaced by T.
Protein change: p.Gly372Ter; replaces glycine 372 with a stop codon.
Molecular consequence: nonsense.
Genome position (GRCh38, 1-based): chr11:89,227,900, G>T. VCF-style: chr11-89227900-G-T. GRCh37 (hg19) VCF-style: chr11-88961068-G-T.
Other names: short protein forms G372*.
Identifiers: ClinVar variation 5013513 (VCV005013513.1).

ClinVar aggregate classification (germline): Pathogenic (1 of 4 stars; one submission).

Conditions:
Oculocutaneous albinism type 1. Also called: Albinism 1; ALBINISM I. Identifiers: Orphanet 352731, MedGen C0268494, MONDO:0018135. Disease mechanism: loss of function.

Submission:

Myriad Genetics, Inc.
Classification: Pathogenic for Oculocutaneous albinism type 1. Last evaluated: 2024-08-31. Review status: criteria provided, single submitter. Criteria: Myriad Autosomal Dominant, Autosomal Recessive and X-Linked Classification Criteria (2023). Collection method: clinical testing. Allele origin: unknown.
Comment: NM_000372.4(TYR):c.1114G>T(G372*) is expected to be pathogenic in the context of oculocutaneous albinism, TYR-related. This variant is predicted to lead to an abnormal or absent protein product due to the creation of a premature termination codon in TYR, a gene where loss-of-function variants are known to be pathogenic. Please note: this variant was assessed in the context of healthy population screening.